The following is an entry in ClinVar:

NM_005411.5(SFTPA1):c.56T>C (p.Val19Ala)

Gene: SFTPA1 (surfactant protein A1; plus strand). Cytogenetic location: 10q22.3.
Variant type: single nucleotide variant.
Coding change: c.56T>C on transcript NM_005411.5 (MANE Select); coding-DNA position 56, T replaced by C.
Protein change: p.Val19Ala; replaces valine 19 with alanine.
Molecular consequence: missense variant.
Genome position (GRCh38, 1-based): chr10:79,611,881, T>C. VCF-style: chr10-79611881-T-C. GRCh37 (hg19) VCF-style: chr10-81371637-T-C.
Other names: c.101T>C, p.Val34Ala (NM_001093770.3, NM_001164645.2); c.56T>C, p.Val19Ala (NM_001164644.2, NM_001164646.2, NM_001164647.1); short protein forms V19A, V34A.
Identifiers: ClinVar variation 227942 (VCV000227942.17), dbSNP rs1059047, ClinGen allele CA5574371.

ClinVar aggregate classification (germline): Benign/Likely benign. Review status: criteria provided, multiple submitters, no conflicts (2 of 4 stars). 8 submissions from 8 submitters: Benign (3); Likely benign (3). 2 of the submissions do not count toward it. Last evaluated 2025-10-23.

Conditions:
SFTPA1-related disorder. Also called: SFTPA1-related condition.

Allele frequency attached by ClinVar (database versions not stated): gnomAD exomes 0.07788 and 0.08661; gnomAD 0.08215 and 0.08847; ExAC 0.09197; 1000 Genomes Project 30x 0.10556.
gnomAD v4.1: 124,167 of 1,431,716 alleles (8.7%); highest among the groups gnomAD compares: Admixed American, 24%; 6,584 homozygotes.

Submissions (8):

Mayo Clinic Laboratories, Mayo Clinic
Classification: Benign. Last evaluated: 2025-10-23. Review status: criteria provided, single submitter. Criteria: ACMG Guidelines, 2015. Collection method: clinical testing. Allele origin: germline. Observed: 1 variant allele.
Comment: BS1, BS2, BP4_moderate

Blueprint Genetics
Classification: Likely benign. Last evaluated: 2024-11-27. Review status: criteria provided, single submitter. Criteria: ACMG Guidelines, 2015. Collection method: clinical testing. Allele origin: germline.

GeneDx
Classification: Benign. Last evaluated: 2021-06-09. Review status: criteria provided, single submitter. Criteria: GeneDx Variant Classification Process June 2021. Collection method: clinical testing. Allele origin: germline. Affected: yes.

Labcorp Genetics (formerly Invitae), Labcorp
Classification: Benign. Last evaluated: 2019-12-31. Review status: criteria provided, single submitter. Criteria: Invitae Variant Classification Sherloc (09022015). Collection method: clinical testing. Allele origin: germline.

Laboratory for Molecular Medicine, Mass General Brigham Personalized Medicine
Classification: Likely benign. Last evaluated: 2015-09-30. Review status: criteria provided, single submitter. Criteria: LMM Criteria. Collection method: clinical testing. Allele origin: germline. Observed: 14 variant alleles.
Comment: This is a homologous region and while the NGS call looks real we do not have a S anger primer pair where both primers are unique. The origin of this variant can not be unambiguously assigned and therefore it is excluded from patient reports. LMM is in the process of exuding repetitive regions where Sanger confirmation is not possible from tests (pending). p.Val34Ala in exon 3 of SFTPA1: This var iant was detected at high frequency in large cohorts sequenced by the ExAC conso rtium. While the frequencies are high enough to rule out a pathogneic role the data did not pass quality filters. Other data supporting a benign role include to a lack of conservation across species, inclu ding mammals. Of note, the gorilla, orangutan, gibbon, rhesus, crab eating macaq ue, baboon, and green monkey have an alanine (Ala) at this position. In additio n, computational prediction tools do not suggest a high likelihood of impact to the protein.

Breakthrough Genomics
Classification: Likely benign. Review status: criteria provided, single submitter. Criteria: ACMG Guidelines, 2015. Collection method: not provided. Allele origin: germline. Inheritance: Autosomal dominant inheritance. Affected: yes.

PreventionGenetics, part of Exact Sciences
Classification: Benign for SFTPA1-related condition. Last evaluated: 2024-04-22. Review status: no assertion criteria provided. Collection method: clinical testing. Allele origin: germline. Not counted in ClinVar's aggregate classification.
Comment: This variant is classified as benign based on ACMG/AMP sequence variant interpretation guidelines (Richards et al. 2015 PMID: 25741868, with internal and published modifications).

Department of Pediatrics, Penn State Hershey College of Medicine
Classification: Likely benign. Review status: no assertion criteria provided. Collection method: case-control. Allele origin: unknown. Not counted in ClinVar's aggregate classification.

Literature cited by the submitters: PubMed 17407567 (cited by Laboratory for Molecular Medicine, Mass General Brigham Personalized Medicine); PubMed 21310059 (cited by Department of Pediatrics, Penn State Hershey College of Medicine).